The following is an entry in ClinVar:

NM_005235.3(ERBB4):c.884-9_884-7del

Gene: ERBB4 (erb-b2 receptor tyrosine kinase 4; minus strand). Cytogenetic location: 2q34.
Variant type: Deletion.
Coding change: c.884-9_884-7del on transcript NM_005235.3 (MANE Select); 9 bases into the intron before coding-DNA position 884 through 7 bases into the intron before coding-DNA position 884, 3 bases deleted (TTT; older notation c.884-9_884-7delTTT).
Molecular consequence: intron variant.
Genome position (GRCh38, 1-based): chr2:211,713,655-211,713,657, AAA deleted on the plus strand (TTT on the coding strand, the reverse complement: ERBB4 is on the minus strand); deleting any 3 consecutive bases within chr2:211,713,655-211,713,668 gives the same sequence; the c. name uses the placement nearest the transcript's 3' end. VCF-style (leftmost placement, unchanged base first): chr2-211713654-TAAA-T. GRCh37 (hg19) VCF-style: chr2-212578379-TAAA-T.
Other names: NC_000002.11:g.212578391_212578393del; c.884-20_884-18del (NM_005235.3); c.884-9_884-7del (NM_001042599.2, NM_001439006.1, NM_001439005.1).
Identifiers: ClinVar variation 2651863 (VCV002651863.24), dbSNP rs67894136, ClinGen allele CA2088295.

ClinVar aggregate classification (germline): Likely benign (1 of 4 stars; one submission).

Submissions (2):

CeGaT Center for Human Genetics Tuebingen
Classification: Likely benign. Last evaluated: 2022-12-01. Review status: criteria provided, single submitter. Criteria: CeGaT Center For Human Genetics Tuebingen Variant Classification Criteria Version 2. Collection method: clinical testing. Allele origin: germline. Affected: yes. Observed: 1 variant allele.
Comment: ERBB4: BP4

Dr. Peter K. Rogan Lab, Western University
No classification provided (evidence only). Condition: Cervical cancer. Review status: no classification provided. Collection method: in vitro. Allele origin: not applicable. Functional consequence: retained intron. Not counted in ClinVar's aggregate classification.